The following is an entry in ClinVar:

NM_017565.4(FAM20A):c.52_53inv (p.Leu18Arg)

Gene: FAM20A (FAM20A golgi associated secretory pathway pseudokinase; minus strand). Cytogenetic location: 17q24.2.
Variant type: Inversion.
Coding change: c.52_53inv on transcript NM_017565.4 (MANE Select).
Protein change: p.Leu18Arg; replaces leucine 18 with arginine.
Molecular consequence: missense variant. On other transcripts: 5 prime UTR variant (1).
Genome position: GRCh38 VCF-style: chr17-68600614-AG-CT. GRCh37 (hg19) VCF-style: chr17-66596755-AG-CT.
Other names: c.52_53delCTinsAG (NM_017565.3); c.-589_-588inv (NM_001243746.2); short protein forms L18R.
Identifiers: ClinVar variation 4082830 (VCV004082830.4).
Genomic context (GRCh38, chr17:68,600,614, plus strand): 5'-CGAGGCCGCAGCTGGCGCTGTACTTGGGGCCAGAGGTGGAAGTAGAGGTCGGCGGAGAGC[AG>CT]CGCGCCCAGCAGCAGCAGAGTCAGTAGGCGGTCCCGGCGCAGCCCCGGCATGGCGTGCTG-3'
Protein context (NP_060035.2, residues 8-28): RLLTLLLLGA[Leu18Arg]LSADLYFHLW

ClinVar aggregate classification (germline): Uncertain significance. Review status: criteria provided, multiple submitters, no conflicts (2 of 4 stars). 4 submissions from 4 submitters: Uncertain significance (4). Last evaluated 2026-09-16.

Conditions:
FAM20A-related disorder. Also called: FAM20A-related condition.
Inborn genetic diseases. Identifiers: MedGen C0950123, MeSH D030342.

Submissions (4):

PreventionGenetics, part of Exact Sciences
Classification: Uncertain significance for FAM20A-related condition. Last evaluated: 2026-09-16. Review status: criteria provided, single submitter. Criteria: ACMG Guidelines, 2015. Collection method: clinical testing. Allele origin: germline.
Comment: The FAM20A c.52_53delinsAG variant is predicted to result in an in-frame deletion and insertion. To our knowledge, this variant has not been reported in the literature or in a large population database (gnomAD), indicating this variant is rare. At this time, the clinical significance of this variant is uncertain due to the absence of conclusive functional and genetic evidence.

Ambry Genetics
Classification: Uncertain significance for Inborn genetic diseases. Last evaluated: 2026-05-15. Review status: criteria provided, single submitter. Criteria: Ambry Variant Classification Scheme 2023. Collection method: clinical testing. Allele origin: germline.
Comment: The c.52_53delCTinsAG (p.L18R) variant, located in exon 1 (coding exon 1) of the FAM20A gene, results from an in-frame deletion of CT and insertion of AG at nucleotide positions c.52 to c.53. This results in the substitution of the leucine (L) for an arginine (R) at codon 18. Based on data from gnomAD, the G allele has an overall frequency of 0.001% (1/162902) total alleles studied. The highest observed frequency was 0.002% (1/66096) of European (non-Finnish) alleles. This amino acid position is well conserved in available vertebrate species. Based on insufficient or conflicting evidence, the clinical significance of this alteration remains unclear.

GeneDx
Classification: Uncertain significance. Last evaluated: 2025-03-04. Review status: criteria provided, single submitter. Criteria: GeneDx Variant Classification Process June 2021. Collection method: clinical testing. Allele origin: germline. Affected: yes.
Comment: Not observed at significant frequency in large population cohorts (gnomAD); In silico analysis indicates that this variant does not alter protein structure/function; Has not been previously published as pathogenic or benign to our knowledge

Blueprint Genetics
Classification: Uncertain significance. Last evaluated: 2022-03-24. Review status: criteria provided, single submitter. Criteria: ACMG Guidelines, 2015. Collection method: clinical testing. Allele origin: germline.